The following is an entry in ClinVar:

NM_003183.6(ADAM17):c.1120G>A (p.Gly374Arg)

Gene: ADAM17 (ADAM metallopeptidase domain 17; minus strand). Cytogenetic location: 2p25.1.
Variant type: single nucleotide variant.
Coding change: c.1120G>A on transcript NM_003183.6 (MANE Select); coding-DNA position 1120, G replaced by A.
Protein change: p.Gly374Arg; replaces glycine 374 with arginine.
Molecular consequence: missense variant.
Genome position (GRCh38, 1-based): chr2:9,517,972, C>T on the plus strand (G>A on the coding strand, the complement: ADAM17 is on the minus strand). VCF-style: chr2-9517972-C-T. GRCh37 (hg19) VCF-style: chr2-9658101-C-T.
Other names: c.1120G>A, p.Gly374Arg (LRG_1203t1); short protein forms G374R.
Identifiers: ClinVar variation 636649 (VCV000636649.11), dbSNP rs199755899, ClinGen allele CA1523573.

ClinVar aggregate classification (germline): Uncertain significance. Review status: criteria provided, multiple submitters, no conflicts (2 of 4 stars). 2 submissions from 2 submitters: Uncertain significance (2). Last evaluated 2024-07-10.

Conditions:
Inflammatory skin and bowel disease, neonatal, 1. Identifiers: Orphanet 294023, MedGen C3280501, MONDO:0013693, OMIM 614328.

Allele frequency attached by ClinVar (database versions not stated): TOPMed below 0.00001; ExAC 0.00001; gnomAD 0.00001; gnomAD exomes 0.00001 and 0.00003; 1000 Genomes Project 30x 0.00016; 1000 Genomes Project 0.00020.
gnomAD v4.1: 40 of 1,601,966 alleles (0.0025%); highest among the groups gnomAD compares: Non-Finnish European, 0.0032%; no homozygotes.

Submissions (2):

Blueprint Genetics
Classification: Uncertain significance. Last evaluated: 2024-07-10. Review status: criteria provided, single submitter. Criteria: ACMG Guidelines, 2015. Collection method: clinical testing. Allele origin: germline.

Labcorp Genetics (formerly Invitae), Labcorp
Classification: Uncertain significance for Inflammatory skin and bowel disease, neonatal, 1. Last evaluated: 2020-06-26. Review status: criteria provided, single submitter. Criteria: Invitae Variant Classification Sherloc (09022015). Collection method: clinical testing. Allele origin: germline.
Comment: This sequence change replaces glycine with arginine at codon 374 of the ADAM17 protein (p.Gly374Arg). The glycine residue is weakly conserved and there is a moderate physicochemical difference between glycine and¬†arginine. This variant is present in population databases (rs199755899, ExAC 0.002%). In summary, the available evidence is currently insufficient to determine the role of this variant in disease. Therefore, it has been classified as a Variant of Uncertain Significance. Algorithms developed to predict the effect of missense changes on protein structure and function (SIFT, PolyPhen-2, Align-GVGD) all suggest that this variant is likely to be tolerated, but these predictions have not been confirmed by published functional studies and their clinical significance is uncertain. This variant has not been reported in the literature in individuals with ADAM17-related conditions.